The following is an entry in ClinVar:

ClinVar aggregate classification (germline): Uncertain significance (1 of 4 stars; one submission).

Submission:

Labcorp Genetics (formerly Invitae), Labcorp
Classification: Uncertain significance. Last evaluated: 2023-12-31. Review status: criteria provided, single submitter. Criteria: Invitae Variant Classification Sherloc (09022015). Collection method: clinical testing. Allele origin: germline.
Comment: This variant, c.6111_6119dup, results in the insertion of 3 amino acid(s) of the COL7A1 protein (p.Lys2038_Gly2040dup), but otherwise preserves the integrity of the reading frame. This variant is not present in population databases (gnomAD no frequency). This variant has not been reported in the literature in individuals affected with COL7A1-related conditions. Algorithms developed to predict the effect of sequence changes on RNA splicing suggest that this variant may create or strengthen a splice site. In summary, the available evidence is currently insufficient to determine the role of this variant in disease. Therefore, it has been classified as a Variant of Uncertain Significance.

NM_000094.4(COL7A1):c.6111_6119dup (p.Gly2040_Ile2041insLysProGly)

Gene: COL7A1 (collagen type VII alpha 1 chain; minus strand). Cytogenetic location: 3p21.31.
Variant type: Duplication.
Coding change: c.6111_6119dup on transcript NM_000094.4 (MANE Select); coding-DNA positions 6111 to 6119, 9 bases duplicated (AAAGCCTGG; older notation c.6111_6119dupAAAGCCTGG).
Protein change: p.Gly2040_Ile2041insLysProGly.
Molecular consequence: inframe insertion.
Genome position (GRCh38, 1-based): chr3:48,575,400-48,575,408, CCAGGCTTT duplicated on the plus strand (AAAGCCTGG on the coding strand, the reverse complement: COL7A1 is on the minus strand); duplicating any 9 consecutive bases within chr3:48,575,400-48,575,415 gives the same sequence; the c. name uses the placement nearest the transcript's 3' end. VCF-style (leftmost placement, unchanged base first): chr3-48575399-A-ACCAGGCTTT. GRCh37 (hg19) VCF-style: chr3-48612832-A-ACCAGGCTTT.
Identifiers: ClinVar variation 2782167 (VCV002782167.3), dbSNP rs2530971562, ClinGen allele CA2739279097.